The following is an entry in ClinVar:

NM_000143.4(FH):c.791C>T (p.Ala264Val)

Gene: FH (fumarate hydratase; minus strand). Cytogenetic location: 1q43.
Variant type: single nucleotide variant.
Coding change: c.791C>T on transcript NM_000143.4 (MANE Select); coding-DNA position 791, C replaced by T.
Protein change: p.Ala264Val; replaces alanine 264 with valine.
Molecular consequence: missense variant.
Genome position (GRCh38, 1-based): chr1:241,506,116, G>A on the plus strand (C>T on the coding strand, the complement: FH is on the minus strand). VCF-style: chr1-241506116-G-A. GRCh37 (hg19) VCF-style: chr1-241669416-G-A.
Other names: short protein forms A264V.
Identifiers: ClinVar variation 1908058 (VCV001908058.5), dbSNP rs2147917713, ClinGen allele CA345439012.
Genomic context (GRCh38, chr1:241,506,116, plus strand): 5'-TTTAAACCTGTACCAACAGCAGTGCCTCCAGCTGCGAGCTCATAGATTCTTGGCATGGCA[G>A]CTTTTATTCTTGTCATTGCATATTTTACTTGTTGAACATAACCACTAAATTCCTGAAAAG-3'
Protein context (NP_000134.2, residues 254-274): QVKYAMTRIK[Ala264Val]AMPRIYELAA

ClinVar aggregate classification (germline): Uncertain significance (1 of 4 stars; one submission).

Submission:

Labcorp Genetics (formerly Invitae), Labcorp
Classification: Uncertain significance. Last evaluated: 2022-08-22. Review status: criteria provided, single submitter. Criteria: Invitae Variant Classification Sherloc (09022015). Collection method: clinical testing. Allele origin: germline.
Comment: In summary, the available evidence is currently insufficient to determine the role of this variant in disease. Therefore, it has been classified as a Variant of Uncertain Significance. Algorithms developed to predict the effect of missense changes on protein structure and function (SIFT, PolyPhen-2, Align-GVGD) all suggest that this variant is likely to be tolerated. This variant has not been reported in the literature in individuals affected with FH-related conditions. This variant is not present in population databases (gnomAD no frequency). This sequence change replaces alanine, which is neutral and non-polar, with valine, which is neutral and non-polar, at codon 264 of the FH protein (p.Ala264Val).